The following is an entry in ClinVar:

NM_006118.4(HAX1):c.65C>T (p.Pro22Leu)

Gene: HAX1 (HCLS1 associated protein X-1; plus strand). Cytogenetic location: 1q21.3.
Variant type: single nucleotide variant.
Coding change: c.65C>T on transcript NM_006118.4 (MANE Select); coding-DNA position 65, C replaced by T.
Protein change: p.Pro22Leu; replaces proline 22 with leucine.
Molecular consequence: missense variant. On other transcripts: intron variant (1).
Genome position (GRCh38, 1-based): chr1:154,273,347, C>T. VCF-style: chr1-154273347-C-T. GRCh37 (hg19) VCF-style: chr1-154245823-C-T.
Other names: c.54-133C>T (NM_001018837.2); short protein forms P22L.
Identifiers: ClinVar variation 3625110 (VCV003625110.2).

ClinVar aggregate classification (germline): Uncertain significance (1 of 4 stars; one submission).

Conditions:
Kostmann syndrome (SCN3). Also called: KOSTMANN DISEASE; Autosomal recessive severe congenital neutropenia type 3. Identifiers: Orphanet 99749, MedGen C5235141, MONDO:0012548, OMIM 610738.

gnomAD v4.1: 3 of 1,613,770 alleles (0.00019%); highest among the groups gnomAD compares: Admixed American, 0.0033%; no homozygotes.

Submission:

Labcorp Genetics (formerly Invitae), Labcorp
Classification: Uncertain significance for Kostmann syndrome. Last evaluated: 2024-10-30. Review status: criteria provided, single submitter. Criteria: Invitae Variant Classification Sherloc (09022015). Collection method: clinical testing. Allele origin: germline.
Comment: This sequence change replaces proline, which is neutral and non-polar, with leucine, which is neutral and non-polar, at codon 22 of the HAX1 protein (p.Pro22Leu). This variant is not present in population databases (gnomAD no frequency). This variant has not been reported in the literature in individuals affected with HAX1-related conditions. Invitae Evidence Modeling of protein sequence and biophysical properties (such as structural, functional, and spatial information, amino acid conservation, physicochemical variation, residue mobility, and thermodynamic stability) indicates that this missense variant is not expected to disrupt HAX1 protein function with a negative predictive value of 80%. Algorithms developed to predict the effect of sequence changes on RNA splicing suggest that this variant may create or strengthen a splice site. In summary, the available evidence is currently insufficient to determine the role of this variant in disease. Therefore, it has been classified as a Variant of Uncertain Significance.